The following is an entry in ClinVar:

ClinVar aggregate classification (germline): Uncertain significance. Review status: criteria provided, multiple submitters, no conflicts (2 of 4 stars). 5 submissions from 5 submitters: Uncertain significance (5). Last evaluated 2025-10-18.

Conditions:
CFI-related disorder. Also called: CFI-related disorders; CFI-related condition. Identifiers: MedGen CN239325.
Atypical hemolytic-uremic syndrome with I factor anomaly. Also called: HEMOLYTIC UREMIC SYNDROME, ATYPICAL, SUSCEPTIBILITY TO, 3; AHUS, SUSCEPTIBILITY TO, 3. Identifiers: Orphanet 2134, MedGen C2752039, MONDO:0013041, OMIM 612923.
Age related macular degeneration 13. Identifiers: MedGen C3809523, MONDO:0014189, OMIM 615439.
Factor I deficiency (CFID). Also called: Complement factor I deficiency. Identifiers: Orphanet 200418, MedGen C3463916, MONDO:0012594, OMIM 610984.

Allele frequency attached by ClinVar (database versions not stated): TOPMed 0.00002; gnomAD 0.00003 and 0.00004.
gnomAD v4.1: 27 of 1,591,814 alleles (0.0017%); highest among the groups gnomAD compares: African/African-American, 0.004%; no homozygotes.

Submissions (5):

Labcorp Genetics (formerly Invitae), Labcorp
Classification: Uncertain significance. Last evaluated: 2025-10-18. Review status: criteria provided, single submitter. Criteria: Invitae Variant Classification Sherloc (09022015). Collection method: clinical testing. Allele origin: germline.
Comment: This sequence change replaces arginine, which is basic and polar, with glutamine, which is neutral and polar, at codon 317 of the CFI protein (p.Arg317Gln). This variant is present in population databases (rs751111134, gnomAD 0.006%). This missense change has been observed in individual(s) with atypical hemolytic uremic syndrome or age-related macular degeneration (PMID: 24036952, 32510551, 33712733, 35619721). ClinVar contains an entry for this variant (Variation ID: 900656). Invitae Evidence Modeling of protein sequence and biophysical properties (such as structural, functional, and spatial information, amino acid conservation, physicochemical variation, residue mobility, and thermodynamic stability) indicates that this missense variant is not expected to disrupt CFI protein function with a negative predictive value of 80%. Studies have shown that this missense change alters mRNA splicing and is expected to lead to the loss of protein expression (PMID: 39238643). In summary, the available evidence is currently insufficient to determine the role of this variant in disease. Therefore, it has been classified as a Variant of Uncertain Significance.

Genomenon, Inc
Classification: Uncertain significance for CFI-related disorder. Last evaluated: 2025-09-26. Review status: criteria provided, single submitter. Criteria: Genomenon Sequence Variant Interpretation Standards - Updated. Collection method: curation. Allele origin: germline. Affected: yes.
Comment: CFI p.Arg317Gln (c.950G>A) is a missense variant that changes the amino acid at residue 317 from Arginine to Glutamine. This variant has been observed in at least one proband affected with a CFI-related disorder (PMID:33712733;33224962;35619721;32510551). Functional studies have been reported; however, the significance of the findings remain unclear (PMID:39238643;32510551). It is absent or not present at a significant frequency in gnomAD. In silico models agree that this variant is not damaging. In conclusion, we classify CFI p.Arg317Gln (c.950G>A) as a variant of unknown significance.

MVZ Medizinische Genetik Mainz
Classification: Uncertain significance for Atypical hemolytic-uremic syndrome with I factor anomaly. Last evaluated: 2025-07-03. Review status: criteria provided, single submitter. Criteria: UK Practice Guidelines For Variant Classification V4 01 2020. Collection method: clinical testing. Allele origin: germline. Inheritance: Autosomal dominant inheritance. Affected: yes. Observed: 1 variant allele.
Comment: ACMG Criteria: PM2_SUP,PP3

Fulgent Genetics
Classification: Uncertain significance for Factor I deficiency; Atypical hemolytic-uremic syndrome with I factor anomaly; Age related macular degeneration 13. Last evaluated: 2024-06-11. Review status: criteria provided, single submitter. Criteria: ACMG Guidelines, 2015. Collection method: clinical testing. Allele origin: germline.

Illumina Laboratory Services, Illumina
Classification: Uncertain significance for Atypical hemolytic-uremic syndrome with I factor anomaly. Last evaluated: 2018-01-12. Review status: criteria provided, single submitter. Criteria: ICSL Variant Classification Criteria 13 December 2019. Collection method: clinical testing. Allele origin: germline.

Literature cited by the submitters: PubMed 24036952 (cited by Labcorp Genetics (formerly Invitae), Labcorp); PubMed 32510551 (cited by Labcorp Genetics (formerly Invitae), Labcorp); PubMed 33712733 (cited by Labcorp Genetics (formerly Invitae), Labcorp and Genomenon, Inc); PubMed 35619721 (cited by Labcorp Genetics (formerly Invitae), Labcorp); PubMed 39238643 (cited by Labcorp Genetics (formerly Invitae), Labcorp); 33224962 (cited by Genomenon, Inc); 35619721 (cited by Genomenon, Inc); 32510551 (cited by Genomenon, Inc); 39238643 (cited by Genomenon, Inc).

NM_000204.5(CFI):c.950G>A (p.Arg317Gln)

Gene: CFI (complement factor I; minus strand). Cytogenetic location: 4q25.
Variant type: single nucleotide variant.
Coding change: c.950G>A on transcript NM_000204.5 (MANE Select); coding-DNA position 950, G replaced by A.
Protein change: p.Arg317Gln; replaces arginine 317 with glutamine.
Molecular consequence: missense variant. On other transcripts: non-coding transcript variant (3).
Genome position (GRCh38, 1-based): chr4:109,749,593, C>T on the plus strand (G>A on the coding strand, the complement: CFI is on the minus strand). VCF-style: chr4-109749593-C-T. GRCh37 (hg19) VCF-style: chr4-110670749-C-T.
Other names: c.974G>A, p.Arg325Gln (NM_001318057.2, NM_001375278.1); c.929G>A, p.Arg310Gln (NM_001331035.2, NM_001375280.1, NM_001375282.1); c.950G>A, p.Arg317Gln (NM_001375279.1, NM_001375281.1); c.893G>A, p.Arg298Gln (NM_001375283.1); c.341G>A, p.Arg114Gln (NM_001375284.1); short protein forms R317Q, R298Q, R325Q, R114Q, R310Q.
Identifiers: ClinVar variation 900656 (VCV000900656.11), dbSNP rs751111134, ClinGen allele CA3042062.